The following is an entry in ClinVar:

NM_000548.5(TSC2):c.3861G>C (p.Leu1287=)

Gene: TSC2 (TSC complex subunit 2; plus strand). Cytogenetic location: 16p13.3.
Variant type: single nucleotide variant.
Coding change: c.3861G>C on transcript NM_000548.5 (MANE Select); coding-DNA position 3861, G replaced by C.
Protein change: p.Leu1287=; no amino-acid change (leucine 1287 retained).
Molecular consequence: synonymous variant. On other transcripts: intron variant (6).
Genome position (GRCh38, 1-based): chr16:2,082,482, G>C. VCF-style: chr16-2082482-G-C. GRCh37 (hg19) VCF-style: chr16-2132483-G-C.
Other names: c.3129G>C, p.Leu1043= (NM_001318831.2); c.3729G>C, p.Leu1243= (NM_001370404.1); c.3732G>C, p.Leu1244= (NM_001370405.1, NM_021055.3); c.3814+684G>C (NM_001114382.3); c.3685+684G>C (NM_001363528.2); c.3682+684G>C (NM_001077183.3); c.3574+684G>C (NM_001318827.2); c.3538+684G>C (NM_001318829.2); and 1 more.
Identifiers: ClinVar variation 1546728 (VCV001546728.11), dbSNP rs2151493248, ClinGen allele CA492955755.

ClinVar aggregate classification (germline): Benign/Likely benign. Review status: criteria provided, multiple submitters, no conflicts (2 of 4 stars). 3 submissions from 3 submitters: Benign (1); Likely benign (2). Last evaluated 2025-05-30.

Conditions:
Tuberous sclerosis 2 (TSC2). Identifiers: Orphanet 805, MedGen C1860707, MONDO:0013199, OMIM 613254.
Hereditary cancer-predisposing syndrome. Also called: Neoplastic Syndromes, Hereditary; Tumor predisposition; Hereditary neoplastic syndrome; Hereditary Cancer Syndrome. Identifiers: Orphanet 140162, MedGen C0027672, MeSH D009386, MONDO:0015356.

Submissions (3):

Myriad Genetics, Inc.
Classification: Benign for Tuberous sclerosis 2. Last evaluated: 2025-05-30. Review status: criteria provided, single submitter. Criteria: Myriad Autosomal Dominant, Autosomal Recessive and X-Linked Classification Criteria (2023). Collection method: clinical testing. Allele origin: unknown.
Comment: This variant is considered benign. This variant is a silent/synonymous amino acid change and it is not expected to impact splicing.

Labcorp Genetics (formerly Invitae), Labcorp
Classification: Likely benign for Tuberous sclerosis 2. Last evaluated: 2024-03-23. Review status: criteria provided, single submitter. Criteria: Invitae Variant Classification Sherloc (09022015). Collection method: clinical testing. Allele origin: germline.

Ambry Genetics
Classification: Likely benign for Hereditary cancer-predisposing syndrome. Last evaluated: 2021-05-21. Review status: criteria provided, single submitter. Criteria: Ambry Variant Classification Scheme 2023. Collection method: clinical testing. Allele origin: germline.